The following is an entry in ClinVar:

ClinVar aggregate classification (germline): Conflicting classifications of pathogenicity. Review status: criteria provided, conflicting classifications (1 of 4 stars). 3 submissions from 3 submitters: Uncertain significance (1); Likely benign (2). Last evaluated 2025-01-23.

Conditions:
Hereditary cancer-predisposing syndrome. Also called: Neoplastic Syndromes, Hereditary; Tumor predisposition; Hereditary Cancer Syndrome; Hereditary neoplastic syndrome. Identifiers: Orphanet 140162, MedGen C0027672, MeSH D009386, MONDO:0015356.
Hereditary breast ovarian cancer syndrome. Also called: Hereditary breast and ovarian cancer syndrome; Breast and ovarian cancer; Hereditary breast and/or ovarian cancer syndrome; Hereditary breast and ovarian cancer; BRCA1- and BRCA2-Associated Hereditary Breast and Ovarian Cancer; Hereditary breast and ovarian cancer syndrome (HBOC). Identifiers: Orphanet 145, MedGen C0677776, MeSH D061325, MONDO:0003582. Disease mechanism: loss of function.

Submissions (3):

Labcorp Genetics (formerly Invitae), Labcorp
Classification: Likely benign for Hereditary breast ovarian cancer syndrome. Last evaluated: 2025-01-23. Review status: criteria provided, single submitter. Criteria: Invitae Variant Classification Sherloc (09022015). Collection method: clinical testing. Allele origin: germline.

Quest Diagnostics Nichols Institute San Juan Capistrano
Classification: Uncertain significance. Last evaluated: 2023-05-24. Review status: criteria provided, single submitter. Criteria: Quest Diagnostics criteria. Collection method: clinical testing. Allele origin: unknown.
Comment: To the best of our knowledge, this variant has not been reported in the published literature. It also has not been reported in large, multi-ethnic general populations (Genome Aggregation Database). Analysis of this variant using software algorithms for the prediction of the effect of nucleotide changes on splicing yielded predictions that this variant does not affect BRCA2 mRNA splicing . Based on the available information, we are unable to determine the clinical significance of this variant.

Ambry Genetics
Classification: Likely benign for Hereditary cancer-predisposing syndrome. Last evaluated: 2017-09-25. Review status: criteria provided, single submitter. Criteria: Ambry Variant Classification Scheme 2023. Collection method: clinical testing. Allele origin: germline.

NM_000059.4(BRCA2):c.4053A>G (p.Lys1351=)

Gene: BRCA2 (BRCA2 DNA repair associated; plus strand). Cytogenetic location: 13q13.1.
Variant type: single nucleotide variant.
Coding change: c.4053A>G on transcript NM_000059.4 (MANE Select); coding-DNA position 4053, A replaced by G.
Protein change: p.Lys1351=; no amino-acid change (lysine 1351 retained).
Molecular consequence: synonymous variant. On other transcripts: non-coding transcript variant (1), intron variant (2).
Genome position (GRCh38, 1-based): chr13:32,338,408, A>G. VCF-style: chr13-32338408-A-G. GRCh37 (hg19) VCF-style: chr13-32912545-A-G.
Other names: c.4053A>G, p.Lys1351= (NM_001406719.1, NM_001406720.1); c.1909+5021A>G (NM_001406721.1); c.425-6150A>G (NM_001406722.1).
Identifiers: ClinVar variation 1737383 (VCV001737383.5), dbSNP rs2548527526, ClinGen allele CA483438141.